The following is an entry in ClinVar:

NM_001124758.3(SPNS2):c.932G>A (p.Arg311Gln)

Gene: SPNS2 (SPNS lysolipid transporter 2, sphingosine-1-phosphate; plus strand). Cytogenetic location: 17p13.2.
Variant type: single nucleotide variant.
Coding change: c.932G>A on transcript NM_001124758.3 (MANE Select); coding-DNA position 932, G replaced by A.
Protein change: p.Arg311Gln; replaces arginine 311 with glutamine.
Molecular consequence: missense variant.
Genome position (GRCh38, 1-based): chr17:4,532,681, G>A. VCF-style: chr17-4532681-G-A. GRCh37 (hg19) VCF-style: chr17-4435976-G-A.
Other names: short protein forms R311Q.
Identifiers: ClinVar variation 4980003 (VCV004980003.1).
Genomic context (GRCh38, chr17:4,532,681, plus strand): 5'-AGCTCGGGGACCAGCTCAAGGCCCGGACCTCATGGCTCCGAGATATGAAGGCCCTGATTC[G>A]AAAGTGAGTACCGCGGGAAGGGGTCTGGTGGGAAGAGAGAGGGGTGCTGAGATGAGAGGG-3'
Protein context (NP_001118230.1, residues 301-321): SWLRDMKALI[Arg311Gln]NRSYVFSSLA

ClinVar aggregate classification (germline): Likely benign (1 of 4 stars; one submission).

Conditions:
SPNS2-related disorder. Also called: SPNS2-related condition.

gnomAD v4.1: 170 of 1,613,586 alleles (0.011%); highest among the groups gnomAD compares: South Asian, 0.12%; 1 homozygote.

Submission:

PreventionGenetics, part of Exact Sciences
Classification: Likely benign for SPNS2-related condition. Last evaluated: 2025-02-18. Review status: criteria provided, single submitter. Criteria: ACMG Guidelines, 2015. Collection method: clinical testing. Allele origin: germline.
Comment: This variant is classified as likely benign based on ACMG/AMP sequence variant interpretation guidelines (Richards et al. 2015 PMID: 25741868, with internal and published modifications).